The following is an entry in ClinVar:

ClinVar aggregate classification (germline): Likely benign (1 of 4 stars; one submission).

gnomAD v4.1: 77 of 1,613,144 alleles (0.0048%); highest among the groups gnomAD compares: South Asian, 0.043%; no homozygotes.

Submission:

CeGaT Center for Human Genetics Tuebingen
Classification: Likely benign. Last evaluated: 2025-07-01. Review status: criteria provided, single submitter. Criteria: CeGaT Center For Human Genetics Tuebingen Variant Classification Criteria Version 2. Collection method: clinical testing. Allele origin: germline. Affected: yes. Observed: 1 variant allele.
Comment: NBEA: BP4, BP7

NM_001385012.1(NBEA):c.6630C>T (p.Ser2210=)

Gene: NBEA (neurobeachin; plus strand). Cytogenetic location: 13q13.3.
Variant type: single nucleotide variant.
Coding change: c.6630C>T on transcript NM_001385012.1 (MANE Select); coding-DNA position 6630, C replaced by T.
Protein change: p.Ser2210=; no amino-acid change (serine 2210 retained).
Molecular consequence: synonymous variant.
Genome position (GRCh38, 1-based): chr13:35,550,521, C>T. VCF-style: chr13-35550521-C-T. GRCh37 (hg19) VCF-style: chr13-36124658-C-T.
Other names: c.9C>T, p.Ser3= (NM_001204197.3); c.6621C>T, p.Ser2207= (NM_001379245.1); c.6630C>T, p.Ser2210= (NM_015678.5).
Identifiers: ClinVar variation 4083929 (VCV004083929.8).